The following is an entry in ClinVar:

ClinVar aggregate classification (germline): Uncertain significance (1 of 4 stars; one submission).

Submission:

Ambry Genetics
Classification: Uncertain significance. Last evaluated: 2025-04-11. Review status: criteria provided, single submitter. Criteria: Ambry Variant Classification Scheme 2023. Collection method: clinical testing. Allele origin: germline.
Comment: The p.T520R variant (also known as c.1559C>G), located in coding exon 2 of the CDK12 gene, results from a C to G substitution at nucleotide position 1559. The threonine at codon 520 is replaced by arginine, an amino acid with similar properties. This amino acid position is conserved. In addition, this alteration is predicted to be tolerated by in silico analysis. Based on the available evidence, the clinical significance of this variant remains unclear.

NM_016507.4(CDK12):c.1559C>G (p.Thr520Arg)

Gene: CDK12 (cyclin dependent kinase 12; plus strand). Cytogenetic location: 17q12.
Variant type: single nucleotide variant.
Coding change: c.1559C>G on transcript NM_016507.4 (MANE Select); coding-DNA position 1559, C replaced by G.
Protein change: p.Thr520Arg; replaces threonine 520 with arginine.
Molecular consequence: missense variant.
Genome position (GRCh38, 1-based): chr17:39,471,391, C>G. VCF-style: chr17-39471391-C-G. GRCh37 (hg19) VCF-style: chr17-37627644-C-G.
Other names: c.1559C>G, p.Thr520Arg (NM_015083.4); short protein forms T520R.
Identifiers: ClinVar variation 3999341 (VCV003999341.1).